The following is an entry in ClinVar:

NM_000478.6(ALPL):c.1196C>T (p.Ala399Val)

Gene: ALPL (alkaline phosphatase, biomineralization associated; plus strand). Cytogenetic location: 1p36.12.
Variant type: single nucleotide variant.
Coding change: c.1196C>T on transcript NM_000478.6 (MANE Select); coding-DNA position 1196, C replaced by T.
Protein change: p.Ala399Val; replaces alanine 399 with valine.
Molecular consequence: missense variant.
Genome position (GRCh38, 1-based): chr1:21,576,528, C>T. VCF-style: chr1-21576528-C-T. GRCh37 (hg19) VCF-style: chr1-21903021-C-T.
Other names: c.1031C>T, p.Ala344Val (NM_001127501.4); c.965C>T, p.Ala322Val (NM_001177520.3); c.1196C>T, p.Ala399Val (NM_001369803.2, NM_001369804.2, NM_001369805.2); short protein forms A322V, A344V, A399V.
Identifiers: ClinVar variation 2676678 (VCV002676678.2), dbSNP rs1394896229, ClinGen allele CA338881641.

ClinVar aggregate classification (germline): Likely pathogenic. Review status: criteria provided, multiple submitters, no conflicts (2 of 4 stars). 2 submissions from 2 submitters: Likely pathogenic (2). Last evaluated 2025-08-29.

Conditions:
Adult hypophosphatasia. Identifiers: Orphanet 247676, Orphanet 436, MedGen C0268413, MONDO:1010154, OMIM 146300, MONDO:0007798.
Hypophosphatasia. Also called: Phosphoethanol-aminuria. Identifiers: Orphanet 436, MedGen C0020630, MeSH D007014, MONDO:0018570.

Allele frequency attached by ClinVar (database versions not stated): gnomAD exomes below 0.00001; gnomAD 0.00001.
gnomAD v4.1: 2 of 1,613,700 alleles (0.00012%); highest among the groups gnomAD compares: Non-Finnish European, 0.00017%; no homozygotes.

Submissions (2):

Genomenon, Inc
Classification: Likely pathogenic for Hypophosphatasia. Last evaluated: 2025-08-29. Review status: criteria provided, single submitter. Criteria: Genomenon Sequence Variant Interpretation Standards. Collection method: curation. Allele origin: germline. Affected: yes.
Comment: ALPL c.1196C>T is a missense variant that changes the amino acid at residue 399 from Alanine to Valine. This variant has been observed in at least one proband affected with hypophosphatasia (PMID:17253930). It is absent or not present at a significant frequency in gnomAD. In silico models agree that this variant is possibly or probably damaging. The presence of pathogenic missense variant(s) at the same amino acid position indicates that this residue is likely important for protein function. In conclusion, we classify ALPL p.Ala399Val (c.1196C>T) as a likely pathogenic variant.

Baylor Genetics
Classification: Likely pathogenic for Adult hypophosphatasia. Last evaluated: 2022-10-01. Review status: criteria provided, single submitter. Criteria: ACMG Guidelines, 2015. Collection method: clinical testing. Allele origin: unknown.

Literature cited by the submitters: PubMed 17253930 (cited by Genomenon, Inc).